The following is an entry in ClinVar:

ClinVar aggregate classification (germline): Uncertain significance (1 of 4 stars; one submission).

Conditions:
Primary familial hypertrophic cardiomyopathy (HCM). Identifiers: Orphanet 99739, MedGen C0949658, MeSH D024741, MONDO:0024573. Inheritance: Various modes of inheritance.

Allele frequency attached by ClinVar (database versions not stated): gnomAD exomes below 0.00001.
gnomAD v4.1: 1 of 1,614,062 alleles (0.000062%); highest among the groups gnomAD compares: Admixed American, 0.0017%; no homozygotes.

Submission:

Labcorp Genetics (formerly Invitae), Labcorp
Classification: Uncertain significance for Primary familial hypertrophic cardiomyopathy. Last evaluated: 2024-05-13. Review status: criteria provided, single submitter. Criteria: Invitae Variant Classification Sherloc (09022015). Collection method: clinical testing. Allele origin: germline.
Comment: This sequence change replaces serine, which is neutral and polar, with asparagine, which is neutral and polar, at codon 232 of the ILK protein (p.Ser232Asn). This variant is not present in population databases (gnomAD no frequency). This variant has not been reported in the literature in individuals affected with ILK-related conditions. ClinVar contains an entry for this variant (Variation ID: 1360119). An algorithm developed to predict the effect of missense changes on protein structure and function (PolyPhen-2) suggests that this variant is likely to be tolerated. In summary, the available evidence is currently insufficient to determine the role of this variant in disease. Therefore, it has been classified as a Variant of Uncertain Significance.

NM_004517.4(ILK):c.695G>A (p.Ser232Asn)

Genes: TAF10 (TATA-box binding protein associated factor 10; minus strand), ILK (integrin linked kinase; plus strand). Cytogenetic location: 11p15.4.
Variant type: single nucleotide variant.
Coding change: c.695G>A on transcript NM_004517.4 (MANE Select); coding-DNA position 695, G replaced by A.
Protein change: p.Ser232Asn; replaces serine 232 with asparagine.
Molecular consequence: missense variant. On other transcripts: 3 prime UTR variant (1).
Genome position (GRCh38, 1-based): chr11:6,609,375, G>A. VCF-style: chr11-6609375-G-A. GRCh37 (hg19) VCF-style: chr11-6630606-G-A.
Other names: c.695G>A, p.Ser232Asn (NM_001014794.3, NM_001014795.3); c.512G>A, p.Ser171Asn (NM_001278441.2); c.293G>A, p.Ser98Asn (NM_001278442.2); c.*1547C>T (NM_006284.4); short protein forms S98N, S171N, S232N.
Identifiers: ClinVar variation 1360119 (VCV001360119.6), dbSNP rs2134564162, ClinGen allele CA379461752.
Genomic context (GRCh38, chr11:6,609,375, plus strand): 5'-GGCAGGGCAATGACATTGTCGTGAAGGTGCTGAAGGTTCGAGACTGGAGTACAAGGAAGA[G>A]CAGGGACTTCAATGAAGAGTGTCCCCGGCTCAGGTAGTGCAAGGCGTAACCTGGAAGCTG-3'
Protein context (NP_004508.1, residues 222-242): LKVRDWSTRK[Ser232Asn]RDFNEECPRL